The following is an entry in ClinVar:

ClinVar aggregate classification (germline): Likely benign. Review status: criteria provided, multiple submitters, no conflicts (2 of 4 stars). 2 submissions from 2 submitters: Likely benign (2). Last evaluated 2023-12-13.

Conditions:
Catecholaminergic polymorphic ventricular tachycardia 1. Also called: VENTRICULAR TACHYCARDIA, CATECHOLAMINERGIC POLYMORPHIC, 1, WITH OR WITHOUT ATRIAL DYSFUNCTION AND/OR DILATED CARDIOMYOPATHY; RYR2-Related Catecholaminergic Polymorphic Ventricular Tachycardia; VENTRICULAR TACHYCARDIA, STRESS-INDUCED POLYMORPHIC 1. Identifiers: Orphanet 3286, MedGen C1631597, MONDO:0011484, OMIM 604772.
Catecholaminergic polymorphic ventricular tachycardia (CVPT). Also called: Catecholamine-induced polymorphic ventricular tachycardia. Identifiers: Orphanet 3286, MedGen C5574922, MONDO:0017990.

gnomAD v4.1: 7 of 1,613,864 alleles (0.00043%); highest among the groups gnomAD compares: African/African-American, 0.0027%; no homozygotes.

Submissions (2):

All of Us Research Program, National Institutes of Health
Classification: Likely benign for Catecholaminergic polymorphic ventricular tachycardia. Last evaluated: 2023-12-13. Review status: criteria provided, single submitter. Criteria: ACMG Guidelines, 2015. Collection method: clinical testing. Allele origin: germline. Inheritance: Autosomal dominant inheritance. Observed: 1 variant allele, 1 heterozygote.
Comment: This study involves interpretation of variants in research participants for the purpose of population health screening. Participant phenotype was not available at the time of variant classification. Additional details can be found in publication PMID: 35346344, PMCID: PMC8962531

Labcorp Genetics (formerly Invitae), Labcorp
Classification: Likely benign for Catecholaminergic polymorphic ventricular tachycardia 1. Last evaluated: 2023-11-15. Review status: criteria provided, single submitter. Criteria: Invitae Variant Classification Sherloc (09022015). Collection method: clinical testing. Allele origin: germline.

NM_001035.3(RYR2):c.2973A>C (p.Ser991=)

Gene: RYR2 (ryanodine receptor 2; plus strand). Cytogenetic location: 1q43.
Variant type: single nucleotide variant.
Coding change: c.2973A>C on transcript NM_001035.3 (MANE Select); coding-DNA position 2973, A replaced by C.
Protein change: p.Ser991=; no amino-acid change (serine 991 retained).
Molecular consequence: synonymous variant.
Genome position (GRCh38, 1-based): chr1:237,548,497, A>C. VCF-style: chr1-237548497-A-C. GRCh37 (hg19) VCF-style: chr1-237711797-A-C.
Identifiers: ClinVar variation 2961782 (VCV002961782.4), dbSNP rs2253273, ClinGen allele CA086257.